The following is an entry in ClinVar:

ClinVar aggregate classification (germline): Uncertain significance. Review status: criteria provided, multiple submitters, no conflicts (2 of 4 stars). 3 submissions from 3 submitters: Uncertain significance (3). Last evaluated 2024-10-04.

Conditions:
Inborn genetic diseases. Identifiers: MedGen C0950123, MeSH D030342.

Allele frequency attached by ClinVar (database versions not stated): gnomAD 0.00013; TOPMed 0.00013; gnomAD exomes 0.00019 and 0.00022; ExAC 0.00023; ESP Exome Variant Server 0.00023.
gnomAD v4.1: 337 of 1,613,316 alleles (0.021%); highest among the groups gnomAD compares: Non-Finnish European, 0.027%; no homozygotes.

Submissions (3):

Blueprint Genetics
Classification: Uncertain significance. Last evaluated: 2024-10-04. Review status: criteria provided, single submitter. Criteria: ACMG Guidelines, 2015. Collection method: clinical testing. Allele origin: germline.

Labcorp Genetics (formerly Invitae), Labcorp
Classification: Uncertain significance. Last evaluated: 2022-10-13. Review status: criteria provided, single submitter. Criteria: Invitae Variant Classification Sherloc (09022015). Collection method: clinical testing. Allele origin: germline.
Comment: This sequence change replaces threonine, which is neutral and polar, with methionine, which is neutral and non-polar, at codon 642 of the ADAMTS10 protein (p.Thr642Met). This variant is present in population databases (rs200679441, gnomAD 0.04%). This variant has not been reported in the literature in individuals affected with ADAMTS10-related conditions. ClinVar contains an entry for this variant (Variation ID: 1363265). Algorithms developed to predict the effect of missense changes on protein structure and function are either unavailable or do not agree on the potential impact of this missense change (SIFT: "Deleterious"; PolyPhen-2: "Possibly Damaging"; Align-GVGD: "Class C15"). Algorithms developed to predict the effect of sequence changes on RNA splicing suggest that this variant may create or strengthen a splice site. In summary, the available evidence is currently insufficient to determine the role of this variant in disease. Therefore, it has been classified as a Variant of Uncertain Significance.

Ambry Genetics
Classification: Uncertain significance for Inborn genetic diseases. Last evaluated: 2021-09-01. Review status: criteria provided, single submitter. Criteria: Ambry Variant Classification Scheme 2023. Collection method: clinical testing. Allele origin: germline.

NM_030957.4(ADAMTS10):c.1925C>T (p.Thr642Met)

Gene: ADAMTS10 (ADAM metallopeptidase with thrombospondin type 1 motif 10; minus strand). Cytogenetic location: 19p13.2.
Variant type: single nucleotide variant.
Coding change: c.1925C>T on transcript NM_030957.4 (MANE Select); coding-DNA position 1925, C replaced by T.
Protein change: p.Thr642Met; replaces threonine 642 with methionine.
Molecular consequence: missense variant.
Genome position (GRCh38, 1-based): chr19:8,589,561, G>A on the plus strand (C>T on the coding strand, the complement: ADAMTS10 is on the minus strand). VCF-style: chr19-8589561-G-A. GRCh37 (hg19) VCF-style: chr19-8654445-G-A.
Other names: c.1925C>T (NM_030957.2); c.386C>T, p.Thr129Met (NM_001282352.2); short protein forms T129M, T642M.
Identifiers: ClinVar variation 1363265 (VCV001363265.5), dbSNP rs200679441, ClinGen allele CA9160295.
Genomic context (GRCh38, chr19:8,589,561, plus strand): 5'-GTCCCGTCCACCACGGCTGCCGCCCTCTCCGTGTAGAAGTTGAAGCCTTCCGCTAGGCAC[G>A]TGAGCGAGCAGGCCTTCACGCCCCCTGGGGGGCACGGCCCCGTCACACCACGGGCCAGGC-3'
Protein context (NP_112219.3, residues 632-652): RGGGVKACSL[Thr642Met]CLAEGFNFYT